The following is an entry in ClinVar:

NM_014014.5(SNRNP200):c.2310+6G>T

Gene: SNRNP200 (small nuclear ribonucleoprotein U5 subunit 200; minus strand). Cytogenetic location: 2q11.2.
Variant type: single nucleotide variant.
Coding change: c.2310+6G>T on transcript NM_014014.5 (MANE Select); 6 bases into the intron after coding-DNA position 2310, G replaced by T.
Molecular consequence: intron variant.
Genome position (GRCh38, 1-based): chr2:96,291,745, C>A on the plus strand (G>T on the coding strand, the complement: SNRNP200 is on the minus strand). VCF-style: chr2-96291745-C-A. GRCh37 (hg19) VCF-style: chr2-96957483-C-A.
Identifiers: ClinVar variation 1432862 (VCV001432862.7), dbSNP rs377444617, ClinGen allele CA1778738.

ClinVar aggregate classification (germline): Uncertain significance. Review status: criteria provided, multiple submitters, no conflicts (2 of 4 stars). 2 submissions from 2 submitters: Uncertain significance (2). Last evaluated 2021-07-02.

Allele frequency attached by ClinVar (database versions not stated): ExAC 0.00001; gnomAD 0.00001; gnomAD exomes 0.00001 and 0.00002; TOPMed 0.00001; ESP Exome Variant Server 0.00008.
gnomAD v4.1: 38 of 1,613,896 alleles (0.0024%); highest among the groups gnomAD compares: Non-Finnish European, 0.0028%; no homozygotes.

Submissions (2):

Labcorp Genetics (formerly Invitae), Labcorp
Classification: Uncertain significance. Last evaluated: 2021-07-02. Review status: criteria provided, single submitter. Criteria: Invitae Variant Classification Sherloc (09022015). Collection method: clinical testing. Allele origin: germline.
Comment: In summary, the available evidence is currently insufficient to determine the role of this variant in disease. Therefore, it has been classified as a Variant of Uncertain Significance. Nucleotide substitutions within the consensus splice site are a relatively common cause of aberrant splicing (PMID: 17576681, 9536098). Algorithms developed to predict the effect of sequence changes on RNA splicing suggest that this variant is not likely to affect RNA splicing. This variant has not been reported in the literature in individuals affected with SNRNP200-related conditions. This variant is present in population databases (rs377444617, ExAC 0.002%). This sequence change falls in intron 17 of the SNRNP200 gene. It does not directly change the encoded amino acid sequence of the SNRNP200 protein. It affects a nucleotide within the consensus splice site of the intron.

Blueprint Genetics
Classification: Uncertain significance. Last evaluated: 2018-12-18. Review status: criteria provided, single submitter. Criteria: ACMG Guidelines, 2015. Collection method: clinical testing. Allele origin: germline.

Literature cited by the submitters: PubMed 17576681 (cited by Labcorp Genetics (formerly Invitae), Labcorp); PubMed 9536098 (cited by Labcorp Genetics (formerly Invitae), Labcorp).